The following is an entry in ClinVar:

ClinVar aggregate classification (germline): Uncertain significance. Review status: criteria provided, multiple submitters, no conflicts (2 of 4 stars). 2 submissions from 2 submitters: Uncertain significance (2). Last evaluated 2024-06-03.

Conditions:
Microcephaly 17, primary, autosomal recessive (MCPH17). Identifiers: Orphanet 2512, MedGen C4310723, MONDO:0014908, OMIM 617090.

Allele frequency attached by ClinVar (database versions not stated): gnomAD 0.00001; TOPMed 0.00001; gnomAD exomes 0.00002 and 0.00004; ExAC 0.00004.
gnomAD v4.1: 33 of 1,613,466 alleles (0.002%); highest among the groups gnomAD compares: Non-Finnish European, 0.0012%; no homozygotes.

Submissions (2):

Labcorp Genetics (formerly Invitae), Labcorp
Classification: Uncertain significance. Last evaluated: 2024-06-03. Review status: criteria provided, single submitter. Criteria: Invitae Variant Classification Sherloc (09022015). Collection method: clinical testing. Allele origin: germline.
Comment: This sequence change replaces proline, which is neutral and non-polar, with leucine, which is neutral and non-polar, at codon 1377 of the CIT protein (p.Pro1377Leu). This variant is present in population databases (rs779515686, gnomAD 0.07%). This variant has not been reported in the literature in individuals affected with CIT-related conditions. ClinVar contains an entry for this variant (Variation ID: 560261). An algorithm developed to predict the effect of missense changes on protein structure and function (PolyPhen-2) suggests that this variant is likely to be tolerated. In summary, the available evidence is currently insufficient to determine the role of this variant in disease. Therefore, it has been classified as a Variant of Uncertain Significance.

Geisinger Autism and Developmental Medicine Institute, Geisinger Health System
Classification: Uncertain significance for Microcephaly 17, primary, autosomal recessive. Last evaluated: 2018-03-09. Review status: criteria provided, single submitter. Criteria: ACMG Guidelines, 2015. Collection method: provider interpretation, clinical testing. Allele origin: de novo. Observed: 1 variant allele.
Comment: The variant is present in the ExAC non-Finnish European population at 0.0027% and in the Ashkenazi Jewish population at 0.071%. Computational models predict the variant to be damaging. This variant has not been reported previously in the literature, to our knowledge, and previously reported variants have not occured in this protein domain (Li, 2016; Harding, 2016; Shaheen, 2016; Basit, 2016). At the time of most recent laboratory analysis, no additional variants in the CIT gene had been identified. Whole exome sequencing also identified an additional variant of uncertain significance in another gene.

Literature cited by the submitters: PubMed 27453578 (cited by Geisinger Autism and Developmental Medicine Institute, Geisinger Health System); PubMed 27453579 (cited by Geisinger Autism and Developmental Medicine Institute, Geisinger Health System); PubMed 27503289 (cited by Geisinger Autism and Developmental Medicine Institute, Geisinger Health System); PubMed 27519304 (cited by Geisinger Autism and Developmental Medicine Institute, Geisinger Health System).

NM_001206999.2(CIT):c.4130C>T (p.Pro1377Leu)

Gene: CIT (citron rho-interacting serine/threonine kinase; minus strand). Cytogenetic location: 12q24.23.
Variant type: single nucleotide variant.
Coding change: c.4130C>T on transcript NM_001206999.2 (MANE Select); coding-DNA position 4130, C replaced by T.
Protein change: p.Pro1377Leu; replaces proline 1377 with leucine.
Molecular consequence: missense variant.
Genome position (GRCh38, 1-based): chr12:119,718,283, G>A on the plus strand (C>T on the coding strand, the complement: CIT is on the minus strand). VCF-style: chr12-119718283-G-A. GRCh37 (hg19) VCF-style: chr12-120156088-G-A.
Other names: c.4004C>T, p.Pro1335Leu (NM_007174.3); short protein forms P1377L, P1335L.
Identifiers: ClinVar variation 560261 (VCV000560261.6), dbSNP rs779515686, ClinGen allele CA6821333.